The following is an entry in ClinVar:

ClinVar aggregate classification (germline): Benign. Review status: criteria provided, multiple submitters, no conflicts (2 of 4 stars). 6 submissions from 6 submitters: Benign (4). 2 of the submissions do not count toward it. Last evaluated 2026-01-23.

Conditions:
DDX41-related disorder. Also called: DDX41-related condition.
Inborn genetic diseases. Identifiers: MedGen C0950123, MeSH D030342.
DDX41-related hematologic malignancy predisposition syndrome. Also called: DDX41-Associated Familial Myelodysplastic Syndrome and Acute Myeloid Leukemia; Myeloproliferative/lymphoproliferative neoplasms, familial (multiple types), susceptibility to. Identifiers: Orphanet 488647, MedGen C4225174, MONDO:0014809, OMIM 616871.

Submissions (6):

Labcorp Genetics (formerly Invitae), Labcorp
Classification: Benign. Last evaluated: 2026-01-23. Review status: criteria provided, single submitter. Criteria: Invitae Variant Classification Sherloc (09022015). Collection method: clinical testing. Allele origin: germline.

Ambry Genetics
Classification: Benign for Inborn genetic diseases. Last evaluated: 2024-11-22. Review status: criteria provided, single submitter. Criteria: Ambry Variant Classification Scheme 2023. Collection method: clinical testing. Allele origin: germline.

ARUP Laboratories, Molecular Genetics and Genomics, ARUP Laboratories
Classification: Benign for DDX41-related hematologic malignancy predisposition syndrome. Last evaluated: 2024-07-30. Review status: criteria provided, single submitter. Criteria: ARUP Molecular Germline Variant Investigation Process 2024. Collection method: clinical testing. Allele origin: germline.

GeneDx
Classification: Benign. Last evaluated: 2020-08-14. Review status: criteria provided, single submitter. Criteria: GeneDx Variant Classification Process June 2021. Collection method: clinical testing. Allele origin: germline. Affected: yes.

PreventionGenetics, part of Exact Sciences
Classification: Benign for DDX41-related condition. Last evaluated: 2022-07-26. Review status: no assertion criteria provided. Collection method: clinical testing. Allele origin: germline. Not counted in ClinVar's aggregate classification.
Comment: This variant is classified as benign based on ACMG/AMP sequence variant interpretation guidelines (Richards et al. 2015 PMID: 25741868, with internal and published modifications).

Department of Pathology and Laboratory Medicine, Sinai Health System
Classification: Benign. Review status: no assertion criteria provided. Collection method: clinical testing. Allele origin: unknown. Affected: yes. Study: The Canadian Open Genetics Repository (COGR). Not counted in ClinVar's aggregate classification.
Comment: The DDX41 c.-421+2_-421+5dup variant was not identified in the literature nor was it identified in ClinVar. The variant was identified in dbSNP (ID: rs142465759) and in control databases in 875 of 265892 chromosomes (12 homozygous) at a frequency of 0.003291 increasing the likelihood this could be a low frequency benign variant (Genome Aggregation Database March 6, 2019, v2.1.1). The variant was observed in the following populations: African in 743 of 23564 chromosomes (freq: 0.03153), Latino in 100 of 35054 chromosomes (freq: 0.002853), Other in 10 of 6664 chromosomes (freq: 0.001501), Ashkenazi Jewish in 6 of 9772 chromosomes (freq: 0.000614), European (non-Finnish) in 15 of 116086 chromosomes (freq: 0.000129) and South Asian in 1 of 30484 chromosomes (freq: 0.000033), but was not observed in the East Asian or European (Finnish) populations. The c.-421+2_-421+5dup variant is located in the 5' splice region but does not affect the invariant +1 and +2 positions. However, positions +3 to +6 are part of the splicing consensus sequence and variants involving these positions sometimes affect splicing. In addition, four of four in silico or computational prediction software programs (SpliceSiteFinder, MaxEntScan, NNSPLICE, GeneSplicer) predict a greater than 10% difference in splicing, however this has not been confirmed by RNA analysis. In summary, based on the above information this variant meets our laboratory's criteria to be classified as benign.

NM_016222.4(DDX41):c.27+2_27+5dup

Gene: DDX41 (DEAD-box helicase 41; minus strand). Cytogenetic location: 5q35.3.
Variant type: Duplication.
Coding change: c.27+2_27+5dup on transcript NM_016222.4 (MANE Select); the canonical splice donor site of the intron after coding-DNA position 27 through 5 bases into the intron after coding-DNA position 27, 4 bases duplicated (TAGG; older notation c.27+2_27+5dupTAGG).
Molecular consequence: splice donor variant.
Genome position (GRCh38, 1-based): chr5:177,516,914-177,516,917, CCTA duplicated on the plus strand (TAGG on the coding strand, the reverse complement: DDX41 is on the minus strand); duplicating any 4 consecutive bases within chr5:177,516,914-177,516,920 gives the same sequence; the c. name uses the placement nearest the transcript's 3' end. VCF-style (leftmost placement, unchanged base first): chr5-177516913-T-TCCTA. GRCh37 (hg19) VCF-style: chr5-176943914-T-TCCTA.
Other names: c.-421+2_-421+5dup (NM_001321830.2); c.-629+2_-629+5dup (NM_001321732.2); c.27+2_27+5dupTAGG (NM_016222.2).
Identifiers: ClinVar variation 782466 (VCV000782466.13), dbSNP rs142465759, ClinGen allele CA3585432.